The following is an entry in ClinVar:

NM_199420.4(POLQ):c.89G>A (p.Ser30Asn)

Genes: POLQ (DNA polymerase theta; minus strand), LOC112872292 (Sharpr-MPRA regulatory region 30; plus strand). Cytogenetic location: 3q13.33.
Variant type: single nucleotide variant.
Coding change: c.89G>A on transcript NM_199420.4 (MANE Select); coding-DNA position 89, G replaced by A.
Protein change: p.Ser30Asn; replaces serine 30 with asparagine.
Molecular consequence: missense variant.
Genome position (GRCh38, 1-based): chr3:121,545,789, C>T on the plus strand (G>A on the coding strand, the complement: POLQ is on the minus strand). VCF-style: chr3-121545789-C-T. GRCh37 (hg19) VCF-style: chr3-121264636-C-T.
Other names: short protein forms S30N.
Identifiers: ClinVar variation 1765405 (VCV001765405.2), dbSNP rs2546828689, ClinGen allele CA354097288.

ClinVar aggregate classification (germline): Uncertain significance (1 of 4 stars; one submission).

Submission:

Ambry Genetics
Classification: Uncertain significance. Last evaluated: 2022-07-28. Review status: criteria provided, single submitter. Criteria: Ambry Variant Classification Scheme 2023. Collection method: clinical testing. Allele origin: germline.
Comment: The p.S30N variant (also known as c.89G>A), located in coding exon 1 of the POLQ gene, results from a G to A substitution at nucleotide position 89. The serine at codon 30 is replaced by asparagine, an amino acid with highly similar properties. This amino acid position is conserved. In addition, this alteration is predicted to be tolerated by in silico analysis. Since supporting evidence is limited at this time, the clinical significance of this alteration remains unclear.